The following is an entry in ClinVar:

ClinVar aggregate classification (germline): Uncertain significance (1 of 4 stars; one submission).

Submission:

Labcorp Genetics (formerly Invitae), Labcorp
Classification: Uncertain significance. Last evaluated: 2022-10-24. Review status: criteria provided, single submitter. Criteria: Invitae Variant Classification Sherloc (09022015). Collection method: clinical testing. Allele origin: germline.
Comment: In summary, the available evidence is currently insufficient to determine the role of this variant in disease. Therefore, it has been classified as a Variant of Uncertain Significance. Algorithms developed to predict the effect of missense changes on protein structure and function are either unavailable or do not agree on the potential impact of this missense change (SIFT: "Deleterious"; PolyPhen-2: "Possibly Damaging"; Align-GVGD: "Class C0"). ClinVar contains an entry for this variant (Variation ID: 1490679). This variant has not been reported in the literature in individuals affected with RBP3-related conditions. This variant is not present in population databases (gnomAD no frequency). This sequence change replaces alanine, which is neutral and non-polar, with valine, which is neutral and non-polar, at codon 732 of the RBP3 protein (p.Ala732Val).

NM_002900.3(RBP3):c.2195C>T (p.Ala732Val)

Gene: RBP3 (retinol binding protein 3; plus strand). Cytogenetic location: 10q11.22.
Variant type: single nucleotide variant.
Coding change: c.2195C>T on transcript NM_002900.3 (MANE Select); coding-DNA position 2195, C replaced by T.
Protein change: p.Ala732Val; replaces alanine 732 with valine.
Molecular consequence: missense variant.
Genome position (GRCh38, 1-based): chr10:47,350,679, C>T. VCF-style: chr10-47350679-C-T. GRCh37 (hg19) VCF-style: chr10-48388683-G-A.
Other names: short protein forms A732V.
Identifiers: ClinVar variation 1490679 (VCV001490679.6), dbSNP rs893820509, ClinGen allele CA206464523.